The following is an entry in ClinVar:

NM_017760.7(NCAPG2):c.838-10G>A

Gene: NCAPG2 (non-SMC condensin II complex subunit G2; minus strand). Cytogenetic location: 7q36.3.
Variant type: single nucleotide variant.
Coding change: c.838-10G>A on transcript NM_017760.7 (MANE Select); 10 bases into the intron before coding-DNA position 838, G replaced by A.
Molecular consequence: intron variant.
Genome position (GRCh38, 1-based): chr7:158,683,396, C>T on the plus strand (G>A on the coding strand, the complement: NCAPG2 is on the minus strand). VCF-style: chr7-158683396-C-T. GRCh37 (hg19) VCF-style: chr7-158476088-C-T.
Other names: c.838-10G>A (NM_001281932.2, NM_001281933.2).
Identifiers: ClinVar variation 3050032 (VCV003050032.3), dbSNP rs148607072, ClinGen allele CA4592997.

ClinVar aggregate classification (germline): Likely benign. Review status: criteria provided, single submitter (1 of 4 stars). 2 submissions from 2 submitters: Likely benign (1). 1 of the submissions does not count toward it. Last evaluated 2024-10-22.

Conditions:
NCAPG2-related disorder. Also called: NCAPG2-related condition.

Allele frequency attached by ClinVar (database versions not stated): gnomAD exomes 0.00038; ExAC 0.00131; 1000 Genomes Project 0.00160; 1000 Genomes Project 30x 0.00234; ESP Exome Variant Server 0.00385; gnomAD 0.00480; TOPMed 0.00499.
gnomAD v4.1: 1,287 of 1,593,590 alleles (0.081%); highest among the groups gnomAD compares: African/African-American, 1.6%; 12 homozygotes.

Submissions (2):

Blueprint Genetics
Classification: Likely benign. Last evaluated: 2024-10-22. Review status: criteria provided, single submitter. Criteria: ACMG Guidelines, 2015. Collection method: clinical testing. Allele origin: germline.

PreventionGenetics, part of Exact Sciences
Classification: Benign for NCAPG2-related condition. Last evaluated: 2019-09-27. Review status: no assertion criteria provided. Collection method: clinical testing. Allele origin: germline. Not counted in ClinVar's aggregate classification.
Comment: This variant is classified as benign based on ACMG/AMP sequence variant interpretation guidelines (Richards et al. 2015 PMID: 25741868, with internal and published modifications).